The following is an entry in ClinVar:

NM_000702.4(ATP1A2):c.1017+5G>A

Gene: ATP1A2 (ATPase Na+/K+ transporting subunit alpha 2; plus strand). Cytogenetic location: 1q23.2.
Variant type: single nucleotide variant.
Coding change: c.1017+5G>A on transcript NM_000702.4 (MANE Select); 5 bases into the intron after coding-DNA position 1017, G replaced by A.
Molecular consequence: intron variant.
Genome position (GRCh38, 1-based): chr1:160,127,825, G>A. VCF-style: chr1-160127825-G-A. GRCh37 (hg19) VCF-style: chr1-160097615-G-A.
Identifiers: ClinVar variation 427094 (VCV000427094.6), dbSNP rs1085307953, ClinGen allele CA645293913.

ClinVar aggregate classification (germline): Likely pathogenic (1 of 4 stars; one submission).

Submission:

GeneDx
Classification: Likely pathogenic. Last evaluated: 2026-01-03. Review status: criteria provided, single submitter. Criteria: GeneDx Variant Classification Process June 2021. Collection method: clinical testing. Allele origin: germline. Affected: yes.
Comment: Reported in a patient with epileptic encephalopathy who inherited the variant from a parent with a history of hemiplegic migraine in published literature (PMID: 33493807); Intronic variant directly or indirectly altering the +5 splice site in a gene for which loss of function is a known mechanism of disease, and splice predictors support a deleterious effect; Not observed at significant frequency in large population cohorts (gnomAD); This variant is associated with the following publications: (PMID: 38097767, 33493807)